The following is an entry in ClinVar:

NM_004208.4(AIFM1):c.1049A>T (p.Asn350Ile)

Genes: AIFM1 (apoptosis inducing factor mitochondria associated 1; minus strand), RAB33A (RAB33A, member RAS oncogene family; plus strand). Cytogenetic location: Xq26.1.
Variant type: single nucleotide variant.
Coding change: c.1049A>T on transcript NM_004208.4 (MANE Select); coding-DNA position 1049, A replaced by T.
Protein change: p.Asn350Ile; replaces asparagine 350 with isoleucine.
Molecular consequence: missense variant. On other transcripts: 3 prime UTR variant (1), non-coding transcript variant (1).
Genome position (GRCh38, 1-based): chrX:130,137,104, T>A on the plus strand (A>T on the coding strand, the complement: AIFM1 is on the minus strand). VCF-style: chrX-130137104-T-A. GRCh37 (hg19) VCF-style: chrX-129271079-T-A.
Other names: c.32A>T, p.Asn11Ile (NM_001130846.4); c.*277A>T (NM_001130847.4); c.1037A>T, p.Asn346Ile (NM_145812.3); c.1049A>T (NM_004208.3); short protein forms N346I, N350I, N11I.
Identifiers: ClinVar variation 1417053 (VCV001417053.10), dbSNP rs1189292666, ClinGen allele CA414579299.
Genomic context (GRCh38, chrX:130,137,104, plus strand): 5'-ATAGAGTGGCAGCATATAGAAACAGTCTCTCTACCTCGTCTGACTTTTTCCATGGTCCAG[T>A]TGCTGAGGTATTCGGGGAGGATCTTTCCCATATTTCCTTTCTCGGGGAAGAGTTGAATCA-3'
Protein context (NP_004199.1, residues 340-360): MGKILPEYLS[Asn350Ile]WTMEKVRREG

ClinVar aggregate classification (germline): Uncertain significance. Review status: criteria provided, multiple submitters, no conflicts (2 of 4 stars). 2 submissions from 2 submitters: Uncertain significance (2). Last evaluated 2026-02-25.

Conditions:
Charcot-Marie-Tooth Neuropathy X. Identifiers: MedGen CN118851.
Combined oxidative phosphorylation deficiency. Identifiers: MedGen C4540031, MONDO:0000732.

Allele frequency attached by ClinVar (database versions not stated): gnomAD exomes 0.00001 and below 0.00001.
gnomAD v4.1: 2 of 1,211,413 alleles (0.00017%); highest among the groups gnomAD compares: Admixed American, 0.0022%; no homozygotes.

Submissions (2):

GeneDx
Classification: Uncertain significance. Last evaluated: 2026-02-25. Review status: criteria provided, single submitter. Criteria: GeneDx Variant Classification Process June 2021. Collection method: clinical testing. Allele origin: germline.
Comment: In silico analysis supports that this missense variant has a deleterious effect on protein structure/function; Has not been previously published as pathogenic or benign to our knowledge

Labcorp Genetics (formerly Invitae), Labcorp
Classification: Uncertain significance for Charcot-Marie-Tooth Neuropathy X; Combined oxidative phosphorylation deficiency. Last evaluated: 2021-01-05. Review status: criteria provided, single submitter. Criteria: Invitae Variant Classification Sherloc (09022015). Collection method: clinical testing. Allele origin: germline.
Comment: This sequence change replaces asparagine with isoleucine at codon 350 of the AIFM1 protein (p.Asn350Ile). The asparagine residue is moderately conserved and there is a large physicochemical difference between asparagine and isoleucine. This variant is not present in population databases (ExAC no frequency). This variant has not been reported in the literature in individuals with AIFM1-related conditions. Advanced modeling of protein sequence and biophysical properties (such as structural, functional, and spatial information, amino acid conservation, physicochemical variation, residue mobility, and thermodynamic stability) performed at Invitae indicates that this missense variant is not expected to disrupt AIFM1 protein function. In summary, the available evidence is currently insufficient to determine the role of this variant in disease. Therefore, it has been classified as a Variant of Uncertain Significance.